The following is an entry in ClinVar:

NM_001080467.3(MYO5B):c.639C>T (p.Arg213=)

Gene: MYO5B (myosin VB; minus strand). Cytogenetic location: 18q21.1.
Variant type: single nucleotide variant.
Coding change: c.639C>T on transcript NM_001080467.3 (MANE Select); coding-DNA position 639, C replaced by T.
Protein change: p.Arg213=; no amino-acid change (arginine 213 retained).
Molecular consequence: synonymous variant.
Genome position (GRCh38, 1-based): chr18:49,992,405, G>A on the plus strand (C>T on the coding strand, the complement: MYO5B is on the minus strand). VCF-style: chr18-49992405-G-A. GRCh37 (hg19) VCF-style: chr18-47518775-G-A.
Identifiers: ClinVar variation 3354541 (VCV003354541.2).
Genomic context (GRCh38, chr18:49,992,405, plus strand): 5'-GTGGTACCTTTTGTCAAAGCCAATCTGGATGTACTTGCCAAAACGGCTGCTGTTGTCATT[G>A]CGGGTGGTCTTGGCATTTCCAATGGCCTGCACAGACCAGACAGACAAAGGTATGAAAAAA-3'
Protein context (NP_001073936.1, residues 203-223): MEAIGNAKTT[Arg213=]NDNSSRFGKY

ClinVar aggregate classification (germline): Likely benign. Review status: criteria provided, single submitter (1 of 4 stars). 2 submissions from 2 submitters: Likely benign (1). 1 of the submissions does not count toward it. Last evaluated 2025-09-26.

Conditions:
MYO5B-related disorder. Also called: MYO5B-related condition.

gnomAD v4.1: 5 of 1,614,138 alleles (0.00031%); highest among the groups gnomAD compares: Admixed American, 0.0017%; no homozygotes.

Submissions (2):

Labcorp Genetics (formerly Invitae), Labcorp
Classification: Likely benign. Last evaluated: 2025-09-26. Review status: criteria provided, single submitter. Criteria: Invitae Variant Classification Sherloc (09022015). Collection method: clinical testing. Allele origin: germline.

PreventionGenetics, part of Exact Sciences
Classification: Likely benign for MYO5B-related condition. Last evaluated: 2024-08-26. Review status: no assertion criteria provided. Collection method: clinical testing. Allele origin: germline. Not counted in ClinVar's aggregate classification.
Comment: This variant is classified as likely benign based on ACMG/AMP sequence variant interpretation guidelines (Richards et al. 2015 PMID: 25741868, with internal and published modifications).